The following is an entry in ClinVar:

NM_000051.4(ATM):c.2839-31A>C

Gene: ATM (ATM serine/threonine kinase; plus strand). Cytogenetic location: 11q22.3.
Variant type: single nucleotide variant.
Coding change: c.2839-31A>C on transcript NM_000051.4 (MANE Select); 31 bases into the intron before coding-DNA position 2839, A replaced by C.
Molecular consequence: intron variant.
Genome position (GRCh38, 1-based): chr11:108,271,033, A>C. VCF-style: chr11-108271033-A-C. GRCh37 (hg19) VCF-style: chr11-108141760-A-C.
Other names: c.2839-31A>C (NM_001351834.2).
Identifiers: ClinVar variation 4539298 (VCV004539298.1).

ClinVar aggregate classification (germline): Likely benign (1 of 4 stars; one submission).

Submission:

Center for Genomic Medicine, Rigshospitalet, Copenhagen University Hospital
Classification: Likely benign. Last evaluated: 2025-12-29. Review status: criteria provided, single submitter. Criteria: ACMG Guidelines, 2015. Collection method: clinical testing. Allele origin: germline.
Comment: Classification criteria: BP4, BP7